The following is an entry in ClinVar:

ClinVar aggregate classification (germline): Uncertain significance (1 of 4 stars; one submission).

Conditions:
Bifunctional peroxisomal enzyme deficiency (DBIF). Also called: DBP DEFICIENCY; PBFE DEFICIENCY; D-bifunctional protein deficiency. Identifiers: Orphanet 300, MedGen C0342870, MONDO:0009855, OMIM 261515. Disease mechanism: loss of function.

Submission:

Neuberg Centre For Genomic Medicine, NCGM
Classification: Uncertain significance for Bifunctional peroxisomal enzyme deficiency. Last evaluated: 2024-02-01. Review status: criteria provided, single submitter. Criteria: ACMG Guidelines, 2015. Collection method: clinical testing. Allele origin: germline. Inheritance: Autosomal recessive inheritance.
Comment: The missense c.425A>G (p.Lys142Arg) variant in HSD17B4 has not been previously reported as pathogenic variant nor as a benign variant, to our knowledge.

NM_000414.4(HSD17B4):c.425A>G (p.Lys142Arg)

Gene: HSD17B4 (hydroxysteroid 17-beta dehydrogenase 4; plus strand). Cytogenetic location: 5q23.1.
Variant type: single nucleotide variant.
Coding change: c.425A>G on transcript NM_000414.4 (MANE Select); coding-DNA position 425, A replaced by G.
Protein change: p.Lys142Arg; replaces lysine 142 with arginine.
Molecular consequence: missense variant. On other transcripts: 5 prime UTR variant (1), non-coding transcript variant (2).
Genome position (GRCh38, 1-based): chr5:119,477,492, A>G. VCF-style: chr5-119477492-A-G. GRCh37 (hg19) VCF-style: chr5-118813187-A-G.
Other names: c.500A>G, p.Lys167Arg (NM_001199291.3); c.371A>G, p.Lys124Arg (NM_001199292.2); c.353A>G, p.Lys118Arg (NM_001292027.2); c.14A>G, p.Lys5Arg (NM_001292028.2, NM_001374501.1, NM_001374502.1 and 1 more transcripts); c.425A>G, p.Lys142Arg (NM_001374497.1, NM_001374498.1); c.98A>G, p.Lys33Arg (NM_001374499.1); c.-114A>G (NM_001374500.1); short protein forms K118R, K124R, K142R, K167R, K33R, K5R.
Identifiers: ClinVar variation 3897977 (VCV003897977.1).